The following is an entry in ClinVar:

NM_177438.3(DICER1):c.3449C>T (p.Ser1150Phe)

Gene: DICER1 (dicer 1, ribonuclease III; minus strand). Cytogenetic location: 14q32.13.
Variant type: single nucleotide variant.
Coding change: c.3449C>T on transcript NM_177438.3 (MANE Select); coding-DNA position 3449, C replaced by T.
Protein change: p.Ser1150Phe; replaces serine 1150 with phenylalanine.
Molecular consequence: missense variant.
Genome position (GRCh38, 1-based): chr14:95,103,947, G>A on the plus strand (C>T on the coding strand, the complement: DICER1 is on the minus strand). VCF-style: chr14-95103947-G-A. GRCh37 (hg19) VCF-style: chr14-95570284-G-A.
Other names: c.3449C>T, p.Ser1150Phe (NM_001195573.1, NM_001271282.3, NM_001291628.2 and 1 more transcripts); short protein forms S1150F.
Identifiers: ClinVar variation 578562 (VCV000578562.10), dbSNP rs1566768980, ClinGen allele CA390875381.
Genomic context (GRCh38, chr14:95,103,947, plus strand): 5'-GCTGAAACTTCAACGTGGAGCTTACCAGGGGACTCGCTGAGCAACGTTCTGCAGTTCACA[G>A]ACATTTGGTCATGATTTTCTAGAGAGGAGGTTCTATTAGCACCTTGATGTGCAGCATTTT-3'
Protein context (NP_803187.1, residues 1140-1160): TSSLENHDQM[Ser1150Phe]VNCRTLLSES

ClinVar aggregate classification (germline): Uncertain significance (1 of 4 stars; one submission).

Conditions:
DICER1-related tumor predisposition. Also called: DICER1 syndrome; DICER1-related pleuropulmonary blastoma cancer predisposition syndrome. Identifiers: Orphanet 284343, MedGen C3839822, MONDO:0100216.

Allele frequency attached by ClinVar (database versions not stated): gnomAD exomes 0.00001.
gnomAD v4.1: 5 of 1,614,218 alleles (0.00031%); highest among the groups gnomAD compares: East Asian, 0.011%; no homozygotes.

Submission:

Labcorp Genetics (formerly Invitae), Labcorp
Classification: Uncertain significance for DICER1-related tumor predisposition. Last evaluated: 2025-05-22. Review status: criteria provided, single submitter. Criteria: Invitae Variant Classification Sherloc (09022015). Collection method: clinical testing. Allele origin: germline.
Comment: This sequence change replaces serine, which is neutral and polar, with phenylalanine, which is neutral and non-polar, at codon 1150 of the DICER1 protein (p.Ser1150Phe). This variant is not present in population databases (gnomAD no frequency). This variant has not been reported in the literature in individuals affected with DICER1-related conditions. ClinVar contains an entry for this variant (Variation ID: 578562). Invitae Evidence Modeling of protein sequence and biophysical properties (such as structural, functional, and spatial information, amino acid conservation, physicochemical variation, residue mobility, and thermodynamic stability) indicates that this missense variant is not expected to disrupt DICER1 protein function with a negative predictive value of 95%. In summary, the available evidence is currently insufficient to determine the role of this variant in disease. Therefore, it has been classified as a Variant of Uncertain Significance.